The following is an entry in ClinVar:

NM_001042492.3(NF1):c.7063-9_7063-7del

Gene: NF1 (neurofibromin 1; plus strand). Cytogenetic location: 17q11.2.
Variant type: Deletion.
Coding change: c.7063-9_7063-7del on transcript NM_001042492.3 (MANE Select); 9 bases into the intron before coding-DNA position 7063 through 7 bases into the intron before coding-DNA position 7063, 3 bases deleted (CTT; older notation c.7063-9_7063-7delCTT).
Molecular consequence: intron variant.
Genome position (GRCh38, 1-based): chr17:31,343,000-31,343,002, CTT deleted; deleting any 3 consecutive bases within chr17:31,342,999-31,343,002 gives the same sequence; the c. name uses the placement nearest the transcript's 3' end. VCF-style (leftmost placement, unchanged base first): chr17-31342998-ATCT-A. GRCh37 (hg19) VCF-style: chr17-29670016-ATCT-A.
Other names: c.7000-9_7000-7del (NM_000267.4).
Identifiers: ClinVar variation 2842033 (VCV002842033.5), dbSNP rs2508779195, ClinGen allele CA2739265553.
Genomic context (GRCh38, chr17:31,342,998, plus strand): 5'-AAAATTAAGTGAGCCTTTAAAGAAAGCTACTGTGTGAACCTCATCAACCATCTCATGATT[ATCT>A]TTAATAGAGTCCAGAGGAAGTATTTATGGCAATCCGGAATCCTCTGGAGTGGCACTGCAA-3'

ClinVar aggregate classification (germline): Uncertain significance. Review status: criteria provided, single submitter (1 of 4 stars). 2 submissions from 2 submitters: Uncertain significance (1). 1 of the submissions does not count toward it. Last evaluated 2023-03-02.

Conditions:
NF1-related disorder. Also called: NF1-related condition. Identifiers: MedGen CN379171.
Neurofibromatosis, type 1 (NF1). Also called: Neurofibromatosis, type I; VON RECKLINGHAUSEN DISEASE; NEUROFIBROMATOSIS, TYPE I, SOMATIC; Peripheral type neurofibromatosis. Identifiers: Orphanet 636, MedGen C0027831, MONDO:0018975, OMIM 162200. Disease mechanism: loss of function.

Submissions (2):

Labcorp Genetics (formerly Invitae), Labcorp
Classification: Uncertain significance for Neurofibromatosis, type 1. Last evaluated: 2023-03-02. Review status: criteria provided, single submitter. Criteria: Invitae Variant Classification Sherloc (09022015). Collection method: clinical testing. Allele origin: germline.
Comment: This sequence change falls in intron 46 of the NF1 gene. It does not directly change the encoded amino acid sequence of the NF1 protein. This variant is not present in population databases (gnomAD no frequency). This variant has not been reported in the literature in individuals affected with NF1-related conditions. Algorithms developed to predict the effect of sequence changes on RNA splicing suggest that this variant may create or strengthen a splice site. In summary, the available evidence is currently insufficient to determine the role of this variant in disease. Therefore, it has been classified as a Variant of Uncertain Significance.

PreventionGenetics, part of Exact Sciences
Classification: Likely benign for NF1-related condition. Last evaluated: 2023-09-21. Review status: no assertion criteria provided. Collection method: clinical testing. Allele origin: germline. Not counted in ClinVar's aggregate classification.
Comment: This variant is classified as likely benign based on ACMG/AMP sequence variant interpretation guidelines (Richards et al. 2015 PMID: 25741868, with internal and published modifications).